The following is an entry in ClinVar:

ClinVar aggregate classification (germline): Uncertain significance. Review status: criteria provided, multiple submitters, no conflicts (2 of 4 stars). 2 submissions from 2 submitters: Uncertain significance (2). Last evaluated 2026-05-01.

Submissions (2):

CeGaT Center for Human Genetics Tuebingen
Classification: Uncertain significance. Last evaluated: 2026-05-01. Review status: criteria provided, single submitter. Criteria: CeGaT Center For Human Genetics Tuebingen Variant Classification Criteria Version 2. Collection method: clinical testing. Allele origin: germline. Affected: yes. Observed: 1 variant allele.
Comment: CTR9: PM2, BP4

Labcorp Genetics (formerly Invitae), Labcorp
Classification: Uncertain significance. Last evaluated: 2026-01-31. Review status: criteria provided, single submitter. Criteria: Invitae Variant Classification Sherloc (09022015). Collection method: clinical testing. Allele origin: germline.
Comment: This sequence change falls in intron 19 of the CTR9 gene. It does not directly change the encoded amino acid sequence of the CTR9 protein. It affects a nucleotide within the consensus splice site. This variant is present in population databases (rs770614062, gnomAD 0.002%). This variant has not been reported in the literature in individuals affected with CTR9-related conditions. Variants that disrupt the consensus splice site are a relatively common cause of aberrant splicing (PMID: 17576681, 9536098). Algorithms developed to predict the effect of sequence changes on RNA splicing suggest that this variant is not likely to affect RNA splicing. In summary, the available evidence is currently insufficient to determine the role of this variant in disease. Therefore, it has been classified as a Variant of Uncertain Significance.

Literature cited by the submitters: PubMed 17576681 (cited by Labcorp Genetics (formerly Invitae), Labcorp); PubMed 9536098 (cited by Labcorp Genetics (formerly Invitae), Labcorp).

NM_014633.5(CTR9):c.2445-3T>C

Gene: CTR9 (CTR9 component of Paf1/RNA polymerase II complex; plus strand). Cytogenetic location: 11p15.4.
Variant type: single nucleotide variant.
Coding change: c.2445-3T>C on transcript NM_014633.5 (MANE Select); 3 bases into the intron before coding-DNA position 2445, T replaced by C.
Molecular consequence: intron variant.
Genome position (GRCh38, 1-based): chr11:10,772,517, T>C. VCF-style: chr11-10772517-T-C. GRCh37 (hg19) VCF-style: chr11-10794064-T-C.
Other names: c.2373-3T>C (NM_001346279.2).
Identifiers: ClinVar variation 4749396 (VCV004749396.3).